The following is an entry in ClinVar:

ClinVar aggregate classification (germline): Uncertain significance (1 of 4 stars; one submission).

Conditions:
Hereditary cancer-predisposing syndrome. Also called: Hereditary Cancer Syndrome; Hereditary neoplastic syndrome; Neoplastic Syndromes, Hereditary; Tumor predisposition. Identifiers: Orphanet 140162, MedGen C0027672, MeSH D009386, MONDO:0015356.

Submission:

Ambry Genetics
Classification: Uncertain significance for Hereditary cancer-predisposing syndrome. Last evaluated: 2025-07-17. Review status: criteria provided, single submitter. Criteria: Ambry Variant Classification Scheme 2023. Collection method: clinical testing. Allele origin: germline.
Comment: The p.L103F variant (also known as c.309A>T), located in coding exon 2 of the BRCA2 gene, results from an A to T substitution at nucleotide position 309. The leucine at codon 103 is replaced by phenylalanine, an amino acid with highly similar properties. This amino acid position is conserved. In addition, this alteration is predicted to be tolerated by in silico analysis. Based on the available evidence, the clinical significance of this variant remains unclear.

NM_000059.4(BRCA2):c.309A>T (p.Leu103Phe)

Gene: BRCA2 (BRCA2 DNA repair associated; plus strand). Cytogenetic location: 13q13.1.
Variant type: single nucleotide variant.
Coding change: c.309A>T on transcript NM_000059.4 (MANE Select); coding-DNA position 309, A replaced by T.
Protein change: p.Leu103Phe; replaces leucine 103 with phenylalanine.
Molecular consequence: missense variant. On other transcripts: 5 prime UTR variant (1), non-coding transcript variant (1).
Genome position (GRCh38, 1-based): chr13:32,319,318, A>T. VCF-style: chr13-32319318-A-T. GRCh37 (hg19) VCF-style: chr13-32893455-A-T.
Other names: c.309A>T, p.Leu103Phe (NM_001406719.1, NM_001406720.1, NM_001406721.1 and 1 more transcripts); c.-61A>T (NM_001406722.1); short protein forms L103F.
Identifiers: ClinVar variation 4215868 (VCV004215868.1).
Genomic context (GRCh38, chr13:32,319,318, plus strand): 5'-GCAAGGGCTGACTCTGCCGCTGTACCAATCTCCTGTAAAAGAATTAGATAAATTCAAATT[A>T]GACTTAGGTAAGTAATGCAATATGGTAGACTGGGGAGAACTACAAACTAGGAATTTAGGC-3'
Protein context (NP_000050.3, residues 93-113): SPVKELDKFK[Leu103Phe]DLGRNVPNSR